The following is an entry in ClinVar:

ClinVar aggregate classification (germline): Uncertain significance (1 of 4 stars; one submission).

Conditions:
KIF1B-related disorder. Also called: KIF1B-related condition.

Submission:

PreventionGenetics, part of Exact Sciences
Classification: Uncertain significance for KIF1B-related condition. Last evaluated: 2026-07-13. Review status: criteria provided, single submitter. Criteria: ACMG Guidelines, 2015. Collection method: clinical testing. Allele origin: germline.
Comment: The KIF1B c.2783G>T variant is predicted to result in the amino acid substitution p.Arg928Leu. To our knowledge, this variant has not been reported in the literature or in a large population database (gnomAD), indicating this variant is rare. At this time, the clinical significance of this variant is uncertain due to the absence of conclusive functional and genetic evidence.

NM_001365951.3(KIF1B):c.2115+6722G>T

Gene: KIF1B (kinesin family member 1B; plus strand). Cytogenetic location: 1p36.22.
Variant type: single nucleotide variant.
Coding change: c.2115+6722G>T on transcript NM_001365951.3 (MANE Select); 6722 bases into the intron after coding-DNA position 2115, G replaced by T.
Molecular consequence: intron variant. On other transcripts: missense variant (2).
Genome position (GRCh38, 1-based): chr1:10,303,968, G>T. VCF-style: chr1-10303968-G-T. GRCh37 (hg19) VCF-style: chr1-10364026-G-T.
Other names: c.2783G>T, p.Arg928Leu (NM_001365953.1, NM_183416.4); c.1977+6722G>T (NM_015074.3); c.2115+6722G>T (NM_001365952.1); short protein forms R928L.
Identifiers: ClinVar variation 4993379 (VCV004993379.1).